The following is an entry in ClinVar:

NM_024741.3(ZNF408):c.727G>A (p.Asp243Asn)

Gene: ZNF408 (zinc finger protein 408; plus strand). Cytogenetic location: 11p11.2.
Variant type: single nucleotide variant.
Coding change: c.727G>A on transcript NM_024741.3 (MANE Select); coding-DNA position 727, G replaced by A.
Protein change: p.Asp243Asn; replaces aspartic acid 243 with asparagine.
Molecular consequence: missense variant.
Genome position (GRCh38, 1-based): chr11:46,704,427, G>A. VCF-style: chr11-46704427-G-A. GRCh37 (hg19) VCF-style: chr11-46725977-G-A.
Other names: c.703G>A, p.Asp235Asn (NM_001184751.2); short protein forms D235N, D243N.
Identifiers: ClinVar variation 1927290 (VCV001927290.5), dbSNP rs1408187921, ClinGen allele CA380254040.
Genomic context (GRCh38, chr11:46,704,427, plus strand): 5'-TCACCCTCTGGCATCCAGGCAGAGAATATGGTGAGCCCTGGACTTAAGTTCCCAACCCAG[G>A]ACCGAATTTCCAAGGATAGCCAGCCACTTGGCCCATTGCTTCAGGATGGCGACGTGGATG-3'
Protein context (NP_079017.1, residues 233-253): VSPGLKFPTQ[Asp243Asn]RISKDSQPLG

ClinVar aggregate classification (germline): Uncertain significance (1 of 4 stars; one submission).

Allele frequency attached by ClinVar (database versions not stated): gnomAD exomes below 0.00001; TOPMed 0.00001.
gnomAD v4.1: 2 of 1,614,096 alleles (0.00012%); highest among the groups gnomAD compares: Admixed American, 0.0033%; no homozygotes.

Submission:

Labcorp Genetics (formerly Invitae), Labcorp
Classification: Uncertain significance. Last evaluated: 2022-09-02. Review status: criteria provided, single submitter. Criteria: Invitae Variant Classification Sherloc (09022015). Collection method: clinical testing. Allele origin: germline.
Comment: In summary, the available evidence is currently insufficient to determine the role of this variant in disease. Therefore, it has been classified as a Variant of Uncertain Significance. Algorithms developed to predict the effect of missense changes on protein structure and function (SIFT, PolyPhen-2, Align-GVGD) all suggest that this variant is likely to be tolerated. This variant has not been reported in the literature in individuals affected with ZNF408-related conditions. This variant is present in population databases (no rsID available, gnomAD 0.006%). This sequence change replaces aspartic acid, which is acidic and polar, with asparagine, which is neutral and polar, at codon 243 of the ZNF408 protein (p.Asp243Asn).